The following is an entry in ClinVar:

ClinVar aggregate classification (germline): Conflicting classifications of pathogenicity. Review status: criteria provided, conflicting classifications (1 of 4 stars). 5 submissions from 5 submitters: Uncertain significance (3); Likely benign (1). 1 of the submissions does not count toward it. Last evaluated 2026-02-11.

Conditions:
Thrombocytopenia 2 (THC2). Also called: ANKRD26-Related Thrombocytopenia. Identifiers: Orphanet 268322, MedGen C1861185, MONDO:0008555, OMIM 188000.
ANKRD26-related disorder. Also called: ANKRD26-related condition.
Inborn genetic diseases. Identifiers: MedGen C0950123, MeSH D030342.

Allele frequency attached by ClinVar (database versions not stated): gnomAD 0.00001; gnomAD exomes 0.00001; TOPMed 0.00002; ExAC 0.00003.

Submissions (5):

St. Jude Molecular Pathology, St. Jude Children's Research Hospital
Classification: Uncertain significance for Thrombocytopenia 2. Last evaluated: 2026-02-11. Review status: criteria provided, single submitter. Criteria: St. Jude Assertion Criteria 2020. Collection method: clinical testing. Allele origin: germline.
Comment: The ANKRD26 c.4564A>G p.(Met1522Val) missense change has a maximum subpopulation frequency of 0.007% in gnomAD v2.1.1. This variant is not located in the 5' UTR. The in silico tool REVEL predicts a benign effect on protein function, but to our knowledge this prediction has not been confirmed by functional studies. To our knowledge, this variant has not been reported in the literature in individuals with ANKRD26-related thrombocytopenia. In summary, the evidence currently available is insufficient to determine the clinical significance of this variant. It has therefore been classified as of uncertain significance.

Ambry Genetics
Classification: Uncertain significance for Inborn genetic diseases. Last evaluated: 2024-12-21. Review status: criteria provided, single submitter. Criteria: Ambry Variant Classification Scheme 2023. Collection method: clinical testing. Allele origin: germline.
Comment: The p.M1522V variant (also known as c.4564A>G), located in coding exon 31 of the ANKRD26 gene, results from an A to G substitution at nucleotide position 4564. The methionine at codon 1522 is replaced by valine, an amino acid with highly similar properties. This amino acid position is conserved. In addition, this alteration is predicted to be tolerated by in silico analysis. Based on the available evidence, the clinical significance of this variant remains unclear.

Labcorp Genetics (formerly Invitae), Labcorp
Classification: Uncertain significance. Last evaluated: 2024-05-17. Review status: criteria provided, single submitter. Criteria: Invitae Variant Classification Sherloc (09022015). Collection method: clinical testing. Allele origin: germline.
Comment: This sequence change replaces methionine, which is neutral and non-polar, with valine, which is neutral and non-polar, at codon 1522 of the ANKRD26 protein (p.Met1522Val). This variant is present in population databases (rs769097111, gnomAD 0.007%). This variant has not been reported in the literature in individuals affected with ANKRD26-related conditions. ClinVar contains an entry for this variant (Variation ID: 2579772). Algorithms developed to predict the effect of missense changes on protein structure and function output the following: SIFT: "Not Available"; PolyPhen-2: "Benign"; Align-GVGD: "Not Available". The valine amino acid residue is found in multiple mammalian species, which suggests that this missense change does not adversely affect protein function. In summary, the available evidence is currently insufficient to determine the role of this variant in disease. Therefore, it has been classified as a Variant of Uncertain Significance.

GeneDx
Classification: Likely benign. Last evaluated: 2023-03-24. Review status: criteria provided, single submitter. Criteria: GeneDx Variant Classification Process June 2021. Collection method: clinical testing. Allele origin: germline. Affected: yes.
Comment: Not observed at significant frequency in large population cohorts (gnomAD); In silico analysis supports that this missense variant does not alter protein structure/function; Has not been previously published as pathogenic or benign to our knowledge

PreventionGenetics, part of Exact Sciences
Classification: Uncertain significance for ANKRD26-related condition. Last evaluated: 2023-12-03. Review status: no assertion criteria provided. Collection method: clinical testing. Allele origin: germline. Not counted in ClinVar's aggregate classification.
Comment: The ANKRD26 c.4564A>G variant is predicted to result in the amino acid substitution p.Met1522Val. To our knowledge, this variant has not been reported in the literature. This variant is reported in 0.0065% of alleles in individuals of South Asian descent in gnomAD. At this time, the clinical significance of this variant is uncertain due to the absence of conclusive functional and genetic evidence.

NM_014915.3(ANKRD26):c.4564A>G (p.Met1522Val)

Gene: ANKRD26 (ankyrin repeat domain 26; minus strand). Cytogenetic location: 10p12.1.
Variant type: single nucleotide variant.
Coding change: c.4564A>G on transcript NM_014915.3 (MANE Select); coding-DNA position 4564, A replaced by G.
Protein change: p.Met1522Val; replaces methionine 1522 with valine.
Molecular consequence: missense variant.
Genome position (GRCh38, 1-based): chr10:27,014,654, T>C on the plus strand (A>G on the coding strand, the complement: ANKRD26 is on the minus strand). VCF-style: chr10-27014654-T-C. GRCh37 (hg19) VCF-style: chr10-27303583-T-C.
Other names: c.4561A>G, p.Met1521Val (NM_001256053.2); short protein forms M1521V, M1522V.
Identifiers: ClinVar variation 2579772 (VCV002579772.7), dbSNP rs769097111, ClinGen allele CA5447762.